The following is an entry in ClinVar:

ClinVar aggregate classification (germline): Uncertain significance (1 of 4 stars; one submission).

Conditions:
IDUA-related disorder. Also called: IDUA-related condition.

Allele frequency attached by ClinVar (database versions not stated): TOPMed below 0.00001; gnomAD 0.00001.
gnomAD v4.1: 3 of 1,613,018 alleles (0.00019%); highest among the groups gnomAD compares: Non-Finnish European, 0.00025%; no homozygotes.

Submission:

PreventionGenetics, part of Exact Sciences
Classification: Uncertain significance for IDUA-related condition. Last evaluated: 2023-05-30. Review status: criteria provided, single submitter. Criteria: ACMG Guidelines, 2015. Collection method: clinical testing. Allele origin: germline.
Comment: The IDUA c.513T>A variant is predicted to result in the amino acid substitution p.His171Gln. To our knowledge, this variant has not been reported in the literature or in a large population database, indicating this variant is rare. At this time, the clinical significance of this variant is uncertain due to the absence of conclusive functional and genetic evidence.

NM_000203.5(IDUA):c.513T>A (p.His171Gln)

Gene: IDUA (alpha-L-iduronidase; plus strand). Cytogenetic location: 4p16.3.
Variant type: single nucleotide variant.
Coding change: c.513T>A on transcript NM_000203.5 (MANE Select); coding-DNA position 513, T replaced by A.
Protein change: p.His171Gln; replaces histidine 171 with glutamine.
Molecular consequence: missense variant. On other transcripts: non-coding transcript variant (1).
Genome position (GRCh38, 1-based): chr4:1,001,487, T>A. VCF-style: chr4-1001487-T-A. GRCh37 (hg19) VCF-style: chr4-995275-T-A.
Other names: c.117T>A, p.His39Gln (NM_001363576.1); short protein forms H171Q, H39Q.
Identifiers: ClinVar variation 2632578 (VCV002632578.1), dbSNP rs745943106, ClinGen allele CA355961670.